The following is an entry in ClinVar:

NM_000059.4(BRCA2):c.5105C>T (p.Pro1702Leu)

Gene: BRCA2 (BRCA2 DNA repair associated; plus strand). Cytogenetic location: 13q13.1.
Variant type: single nucleotide variant.
Coding change: c.5105C>T on transcript NM_000059.4 (MANE Select); coding-DNA position 5105, C replaced by T.
Protein change: p.Pro1702Leu; replaces proline 1702 with leucine.
Molecular consequence: missense variant.
Genome position (GRCh38, 1-based): chr13:32,339,460, C>T. VCF-style: chr13-32339460-C-T. GRCh37 (hg19) VCF-style: chr13-32913597-C-T.
Other names: short protein forms P1702L.
Identifiers: ClinVar variation 925454 (VCV000925454.4), dbSNP rs1566231729, ClinGen allele CA387784130.
Genomic context (GRCh38, chr13:32,339,460, plus strand): 5'-GTCAGACTTCATTACTTGAAGCAAAAAAATGGCTTAGAGAAGGAATATTTGATGGTCAAC[C>T]AGAAAGAATAAATACTGCAGATTATGTAGGAAATTATTTGTATGAAAATAATTCAAACAG-3'
Protein context (NP_000050.3, residues 1692-1712): WLREGIFDGQ[Pro1702Leu]ERINTADYVG

ClinVar aggregate classification (germline): Conflicting classifications of pathogenicity. Review status: criteria provided, conflicting classifications (1 of 4 stars). 2 submissions from 2 submitters: Uncertain significance (1); Likely benign (1). Last evaluated 2023-03-23.

Conditions:
Hereditary cancer-predisposing syndrome. Also called: Neoplastic Syndromes, Hereditary; Tumor predisposition; Hereditary Cancer Syndrome; Hereditary neoplastic syndrome. Identifiers: Orphanet 140162, MedGen C0027672, MeSH D009386, MONDO:0015356.

Submissions (2):

University of Washington Department of Laboratory Medicine, University of Washington
Classification: Likely benign for Hereditary cancer-predisposing syndrome. Last evaluated: 2023-03-23. Review status: criteria provided, single submitter. Criteria: Dines et al. (Genet Med. 2020). Collection method: curation. Allele origin: germline.
Comment: Missense variant in a coldspot region where missense variants are very unlikely to be pathogenic (PMID:31911673).

BRCA2 exon 11 coldspot. Reclassification based on statistical prior probability.

Color Diagnostics, LLC DBA Color Health
Classification: Uncertain significance for Hereditary cancer-predisposing syndrome. Last evaluated: 2019-05-30. Review status: criteria provided, single submitter. Criteria: ACMG Guidelines, 2015. Collection method: clinical testing. Allele origin: germline.